The following is an entry in ClinVar:

NM_004370.6(COL12A1):c.7298C>T (p.Thr2433Met)

Genes: COL12A1 (collagen type XII alpha 1 chain; minus strand), LOC126859712 (MED14-independent group 3 enhancer GRCh37_chr6:75828643-75829842; plus strand). Cytogenetic location: 6q13.
Variant type: single nucleotide variant.
Coding change: c.7298C>T on transcript NM_004370.6 (MANE Select); coding-DNA position 7298, C replaced by T.
Protein change: p.Thr2433Met; replaces threonine 2433 with methionine.
Molecular consequence: missense variant.
Genome position (GRCh38, 1-based): chr6:75,119,099, G>A on the plus strand (C>T on the coding strand, the complement: COL12A1 is on the minus strand). VCF-style: chr6-75119099-G-A. GRCh37 (hg19) VCF-style: chr6-75828815-G-A.
Other names: c.3806C>T, p.Thr1269Met (NM_080645.3); short protein forms T2433M, T1269M.
Identifiers: ClinVar variation 1043272 (VCV001043272.18), dbSNP rs1769226903, ClinGen allele CA364747619.

ClinVar aggregate classification (germline): Uncertain significance. Review status: criteria provided, multiple submitters, no conflicts (2 of 4 stars). 5 submissions from 5 submitters: Uncertain significance (5). Last evaluated 2025-11-20.

Conditions:
COL12A1-related disorder. Also called: COL12A1-related condition.
Ullrich congenital muscular dystrophy 2 (UCMD2). Identifiers: Orphanet 75840, MedGen C4225314, MONDO:0014654, OMIM 616470.
Bethlem myopathy 2 (BTHLM2). Identifiers: Orphanet 536516, Orphanet 610, MedGen C4225313, MONDO:0034022, OMIM 616471.
Inborn genetic diseases. Identifiers: MedGen C0950123, MeSH D030342.

Allele frequency attached by ClinVar (database versions not stated): gnomAD exomes below 0.00001.
gnomAD v4.1: 1 of 1,613,920 alleles (0.000062%); highest among the groups gnomAD compares: Admixed American, 0.0017%; no homozygotes.

Submissions (5):

Ambry Genetics
Classification: Uncertain significance for Inborn genetic diseases. Last evaluated: 2025-11-20. Review status: criteria provided, single submitter. Criteria: Ambry Variant Classification Scheme 2023. Collection method: clinical testing. Allele origin: germline.

Labcorp Genetics (formerly Invitae), Labcorp
Classification: Uncertain significance for Bethlem myopathy 2; Ullrich congenital muscular dystrophy 2. Last evaluated: 2025-11-08. Review status: criteria provided, single submitter. Criteria: Invitae Variant Classification Sherloc (09022015). Collection method: clinical testing. Allele origin: germline.
Comment: This sequence change replaces threonine, which is neutral and polar, with methionine, which is neutral and non-polar, at codon 2433 of the COL12A1 protein (p.Thr2433Met). This variant is not present in population databases (gnomAD no frequency). This variant has not been reported in the literature in individuals affected with COL12A1-related conditions. ClinVar contains an entry for this variant (Variation ID: 1043272). Invitae Evidence Modeling of protein sequence and biophysical properties (such as structural, functional, and spatial information, amino acid conservation, physicochemical variation, residue mobility, and thermodynamic stability) indicates that this missense variant is not expected to disrupt COL12A1 protein function with a negative predictive value of 80%. In summary, the available evidence is currently insufficient to determine the role of this variant in disease. Therefore, it has been classified as a Variant of Uncertain Significance.

PreventionGenetics, part of Exact Sciences
Classification: Uncertain significance for COL12A1-related condition. Last evaluated: 2025-09-03. Review status: criteria provided, single submitter. Criteria: ACMG Guidelines, 2015. Collection method: clinical testing. Allele origin: germline.
Comment: The COL12A1 c.7298C>T variant is predicted to result in the amino acid substitution p.Thr2433Met. To our knowledge, this variant has not been reported in the literature or in a large population database (gnomAD), indicating this variant is rare. At this time, the clinical significance of this variant is uncertain due to the absence of conclusive functional and genetic evidence.

CeGaT Center for Human Genetics Tuebingen
Classification: Uncertain significance. Last evaluated: 2025-06-01. Review status: criteria provided, single submitter. Criteria: CeGaT Center For Human Genetics Tuebingen Variant Classification Criteria Version 2. Collection method: clinical testing. Allele origin: germline. Affected: yes. Observed: 1 variant allele.

GeneDx
Classification: Uncertain significance. Last evaluated: 2023-05-04. Review status: criteria provided, single submitter. Criteria: GeneDx Variant Classification Process June 2021. Collection method: clinical testing. Allele origin: germline. Affected: yes.
Comment: Not observed in large population cohorts (gnomAD); In silico analysis supports that this missense variant has a deleterious effect on protein structure/function; Has not been previously published as pathogenic or benign to our knowledge